The following is an entry in ClinVar:

ClinVar aggregate classification (germline): Conflicting classifications of pathogenicity. Review status: criteria provided, conflicting classifications (1 of 4 stars). 4 submissions from 4 submitters: Uncertain significance (3); Benign (1). Last evaluated 2026-01-17.

Conditions:
Primary ciliary dyskinesia. Also called: Ciliary dyskinesia. Identifiers: Orphanet 244, MedGen C0008780, MONDO:0016575, HP:0012265.
Primary ciliary dyskinesia 7. Also called: CILIARY DYSKINESIA, PRIMARY, 7, WITH OR WITHOUT SITUS INVERSUS. Identifiers: Orphanet 244, MedGen C2678473, MONDO:0012748, OMIM 611884.

Allele frequency attached by ClinVar (database versions not stated): TOPMed 0.00002; gnomAD 0.00003; ESP Exome Variant Server 0.00017.
gnomAD v4.1: 37 of 1,613,562 alleles (0.0023%); highest among the groups gnomAD compares: Non-Finnish European, 0.0028%; no homozygotes.

Submissions (4):

Labcorp Genetics (formerly Invitae), Labcorp
Classification: Benign for Primary ciliary dyskinesia. Last evaluated: 2026-01-17. Review status: criteria provided, single submitter. Criteria: Invitae Variant Classification Sherloc (09022015). Collection method: clinical testing. Allele origin: germline.

Blueprint Genetics
Classification: Uncertain significance. Last evaluated: 2024-11-15. Review status: criteria provided, single submitter. Criteria: ACMG Guidelines, 2015. Collection method: clinical testing. Allele origin: germline.

GeneDx
Classification: Uncertain significance. Last evaluated: 2022-02-04. Review status: criteria provided, single submitter. Criteria: GeneDx Variant Classification Process June 2021. Collection method: clinical testing. Allele origin: germline. Affected: yes.
Comment: In silico analysis supports that this missense variant has a deleterious effect on protein structure/function; Has not been previously published as pathogenic or benign to our knowledge

Illumina Laboratory Services, Illumina
Classification: Uncertain significance for Primary ciliary dyskinesia 7. Last evaluated: 2018-01-13. Review status: criteria provided, single submitter. Criteria: ICSL Variant Classification Criteria 13 December 2019. Collection method: clinical testing. Allele origin: germline.

NM_001277115.2(DNAH11):c.1133A>C (p.Tyr378Ser)

Gene: DNAH11 (dynein axonemal heavy chain 11; plus strand). Cytogenetic location: 7p15.3.
Variant type: single nucleotide variant.
Coding change: c.1133A>C on transcript NM_001277115.2 (MANE Select); coding-DNA position 1133, A replaced by C.
Protein change: p.Tyr378Ser; replaces tyrosine 378 with serine.
Molecular consequence: missense variant.
Genome position (GRCh38, 1-based): chr7:21,564,336, A>C. VCF-style: chr7-21564336-A-C. GRCh37 (hg19) VCF-style: chr7-21603954-A-C.
Other names: short protein forms Y378S.
Identifiers: ClinVar variation 410843 (VCV000410843.17), dbSNP rs375636554, ClinGen allele CA4178908.
Genomic context (GRCh38, chr7:21,564,336, plus strand): 5'-GCATATTAATCGCTCCATTATTTCATACCATCTGTCTGATCTGGAGTCATTCCAAGTTTT[A>C]TAACACCCCAGCTCGGGTTATAGTTTTATTGCAAGAGTTTTGTAATCTCTTCATTAACCA-3'
Protein context (NP_001264044.1, residues 368-388): ICLIWSHSKF[Tyr378Ser]NTPARVIVLL